The following is an entry in ClinVar:

NM_000059.4(BRCA2):c.9179T>G (p.Phe3060Cys)

Gene: BRCA2 (BRCA2 DNA repair associated; plus strand). Cytogenetic location: 13q13.1.
Variant type: single nucleotide variant.
Coding change: c.9179T>G on transcript NM_000059.4 (MANE Select); coding-DNA position 9179, T replaced by G.
Protein change: p.Phe3060Cys; replaces phenylalanine 3060 with cysteine.
Molecular consequence: missense variant.
Genome position (GRCh38, 1-based): chr13:32,380,068, T>G. VCF-style: chr13-32380068-T-G. GRCh37 (hg19) VCF-style: chr13-32954205-T-G.
Other names: short protein forms F3060C.
Identifiers: ClinVar variation 232414 (VCV000232414.14), dbSNP rs876659750, ClinGen allele CA10579813.
Genomic context (GRCh38, chr13:32,380,068, plus strand): 5'-TTTCAGATGAAATTTTATTTCAGATTTACCAGCCACGGGAGCCCCTTCACTTCAGCAAAT[T>G]TTTAGATCCAGACTTTCAGCCATCTTGTTCTGAGGTGGACCTAATAGGATTTGTCGTTTC-3'
Protein context (NP_000050.3, residues 3050-3070): QPREPLHFSK[Phe3060Cys]LDPDFQPSCS

ClinVar aggregate classification (germline): Conflicting classifications of pathogenicity. Review status: criteria provided, conflicting classifications (1 of 4 stars). 2 submissions from 2 submitters: Uncertain significance (1); Likely benign (1). Last evaluated 2024-03-17.

Conditions:
Hereditary cancer-predisposing syndrome. Also called: Neoplastic Syndromes, Hereditary; Tumor predisposition; Hereditary Cancer Syndrome; Hereditary neoplastic syndrome. Identifiers: Orphanet 140162, MedGen C0027672, MeSH D009386, MONDO:0015356.
Hereditary breast ovarian cancer syndrome. Also called: Hereditary breast and ovarian cancer syndrome; BRCA1- and BRCA2-Associated Hereditary Breast and Ovarian Cancer; Breast and ovarian cancer; Hereditary breast and/or ovarian cancer syndrome; Hereditary breast and ovarian cancer; Hereditary breast and ovarian cancer syndrome (HBOC). Identifiers: Orphanet 145, MedGen C0677776, MeSH D061325, MONDO:0003582. Disease mechanism: loss of function.

Submissions (2):

Labcorp Genetics (formerly Invitae), Labcorp
Classification: Uncertain significance for Hereditary breast ovarian cancer syndrome. Last evaluated: 2024-03-17. Review status: criteria provided, single submitter. Criteria: Invitae Variant Classification Sherloc (09022015). Collection method: clinical testing. Allele origin: germline.
Comment: This sequence change replaces phenylalanine, which is neutral and non-polar, with cysteine, which is neutral and slightly polar, at codon 3060 of the BRCA2 protein (p.Phe3060Cys). This variant is not present in population databases (gnomAD no frequency). This variant has not been reported in the literature in individuals affected with BRCA2-related conditions. ClinVar contains an entry for this variant (Variation ID: 232414). Advanced modeling of protein sequence and biophysical properties (such as structural, functional, and spatial information, amino acid conservation, physicochemical variation, residue mobility, and thermodynamic stability) performed at Invitae indicates that this missense variant is not expected to disrupt BRCA2 protein function with a negative predictive value of 95%. In summary, the available evidence is currently insufficient to determine the role of this variant in disease. Therefore, it has been classified as a Variant of Uncertain Significance.

Ambry Genetics
Classification: Likely benign for Hereditary cancer-predisposing syndrome. Last evaluated: 2022-01-11. Review status: criteria provided, single submitter. Criteria: Ambry Variant Classification Scheme 2023. Collection method: clinical testing. Allele origin: germline.

Literature cited by the submitters: PubMed 32444794 (cited by Ambry Genetics).